The following is an entry in ClinVar:

ClinVar aggregate classification (germline): Uncertain significance (1 of 4 stars; one submission).

Submission:

GeneDx
Classification: Uncertain significance. Last evaluated: 2023-11-07. Review status: criteria provided, single submitter. Criteria: GeneDx Variant Classification Process June 2021. Collection method: clinical testing. Allele origin: germline. Affected: yes.
Comment: In silico analysis supports that this missense variant has a deleterious effect on protein structure/function; Not observed at significant frequency in large population cohorts (gnomAD); Has not been previously published as pathogenic or benign to our knowledge

NM_006245.4(PPP2R5D):c.1265C>G (p.Ala422Gly)

Gene: PPP2R5D (protein phosphatase 2 regulatory subunit B'delta; plus strand). Cytogenetic location: 6p21.1.
Variant type: single nucleotide variant.
Coding change: c.1265C>G on transcript NM_006245.4 (MANE Select); coding-DNA position 1265, C replaced by G.
Protein change: p.Ala422Gly; replaces alanine 422 with glycine.
Molecular consequence: missense variant.
Genome position (GRCh38, 1-based): chr6:43,009,335, C>G. VCF-style: chr6-43009335-C-G. GRCh37 (hg19) VCF-style: chr6-42977073-C-G.
Other names: c.812C>G, p.Ala271Gly (NM_001270476.2); c.1169C>G, p.Ala390Gly (NM_180976.3); c.947C>G, p.Ala316Gly (NM_180977.3); short protein forms A271G, A316G, A390G, A422G.
Identifiers: ClinVar variation 3364018 (VCV003364018.1).